The following is an entry in ClinVar:

NM_003482.4(KMT2D):c.1634del (p.Leu545fs)

Gene: KMT2D (lysine methyltransferase 2D; minus strand). Cytogenetic location: 12q13.12.
Variant type: Deletion.
Coding change: c.1634del on transcript NM_003482.4 (MANE Select); coding-DNA position 1634, one base deleted (T; older notation c.1634delT).
Protein change: p.Leu545fs; shifts the reading frame from leucine 545.
Molecular consequence: frameshift variant.
Genome position (GRCh38, 1-based): chr12:49,052,049, A deleted on the plus strand (T on the coding strand, the reverse complement: KMT2D is on the minus strand). VCF-style (leftmost placement, unchanged base first): chr12-49052048-CA-C. GRCh37 (hg19) VCF-style: chr12-49445831-CA-C.
Other names: c.1634delT (NM_003482.3); c.1634del (NM_003482.3); short protein forms L545fs.
Identifiers: ClinVar variation 265213 (VCV000265213.4), dbSNP rs886039399, ClinGen allele CA10588551.
Genomic context (GRCh38, chr12:49,052,048, plus strand): 5'-CGGGGAAGTGGGCAATTCCTCAGGTGGCGGGGACAAAGGAGATTCTTCAAATGGTGGGGA[CA>C]GGGGCGATGCTTCAGGTGGTGGGGATAGAGGCGTCTCAAGTGCAGGAGATGGGGGTGACT-3'

ClinVar aggregate classification (germline): Pathogenic. Review status: criteria provided, multiple submitters, no conflicts (2 of 4 stars). 2 submissions from 2 submitters: Pathogenic (2). Last evaluated 2023-07-27.

Conditions:
Kabuki syndrome 1 (KABUK1). Also called: KMT2D-Related Kabuki Syndrome. Identifiers: Orphanet 2322, MedGen CN030661, MONDO:0007843, OMIM 147920.

Submissions (2):

GeneDx
Classification: Pathogenic. Last evaluated: 2023-07-27. Review status: criteria provided, single submitter. Criteria: GeneDx Variant Classification Process June 2021. Collection method: clinical testing. Allele origin: germline. Affected: yes.
Comment: Identified in a patient with Kabuki syndrome in published literature (Banka et al., 2012); Not observed at significant frequency in large population cohorts (gnomAD); Frameshift variant predicted to result in protein truncation or nonsense mediated decay in a gene for which loss of function is a known mechanism of disease; This variant is associated with the following publications: (PMID: 22126750, 34365617)

Baylor Genetics
Classification: Pathogenic for Kabuki syndrome 1. Last evaluated: 2022-10-20. Review status: criteria provided, single submitter. Criteria: ACMG Guidelines, 2015. Collection method: clinical testing. Allele origin: unknown.